The following is an entry in ClinVar:

ClinVar aggregate classification (germline): Uncertain significance. Review status: criteria provided, multiple submitters, no conflicts (2 of 4 stars). 2 submissions from 2 submitters: Uncertain significance (2). Last evaluated 2025-01-30.

Conditions:
Inborn genetic diseases. Identifiers: MedGen C0950123, MeSH D030342.
Autosomal dominant nocturnal frontal lobe epilepsy 5. Also called: CILIARY DYSKINESIA, PRIMARY, 28, WITH SITUS INVERSUS; KCNT1-Related Epilepsy; CILIARY DYSKINESIA, PRIMARY, 28, WITHOUT SITUS INVERSUS; Epilepsy, nocturnal frontal lobe, 5. Identifiers: Orphanet 98784, MedGen C3554306, MONDO:0014002, OMIM 615005.
Developmental and epileptic encephalopathy, 14 (DEE14). Also called: Early infantile epileptic encephalopathy 14. Identifiers: Orphanet 293181, MedGen C3554195, MONDO:0013989, OMIM 614959.

Allele frequency attached by ClinVar (database versions not stated): gnomAD 0.00001; gnomAD exomes 0.00001; TOPMed 0.00001; ExAC 0.00005.
gnomAD v4.1: 11 of 1,550,050 alleles (0.00071%); highest among the groups gnomAD compares: South Asian, 0.0036%; no homozygotes.

Submissions (2):

Ambry Genetics
Classification: Uncertain significance for Inborn genetic diseases. Last evaluated: 2025-01-30. Review status: criteria provided, single submitter. Criteria: Ambry Variant Classification Scheme 2023. Collection method: clinical testing. Allele origin: germline.
Comment: The c.1613G>A (p.R538H) alteration is located in exon 16 (coding exon 16) of the KCNT1 gene. This alteration results from a G to A substitution at nucleotide position 1613, causing the arginine (R) at amino acid position 538 to be replaced by a histidine (H). The in silico prediction for this alteration is inconclusive. Based on insufficient or conflicting evidence, the clinical significance of this alteration remains unclear.

Labcorp Genetics (formerly Invitae), Labcorp
Classification: Uncertain significance for Autosomal dominant nocturnal frontal lobe epilepsy 5; Developmental and epileptic encephalopathy, 14. Last evaluated: 2021-07-06. Review status: criteria provided, single submitter. Criteria: Invitae Variant Classification Sherloc (09022015). Collection method: clinical testing. Allele origin: germline.
Comment: In summary, the available evidence is currently insufficient to determine the role of this variant in disease. Therefore, it has been classified as a Variant of Uncertain Significance. Advanced modeling of protein sequence and biophysical properties (such as structural, functional, and spatial information, amino acid conservation, physicochemical variation, residue mobility, and thermodynamic stability) performed at Invitae indicates that this missense variant is not expected to disrupt KCNT1 protein function. This variant has not been reported in the literature in individuals affected with KCNT1-related conditions. This variant is present in population databases (rs748178951, ExAC 0.01%). This sequence change replaces arginine with histidine at codon 538 of the KCNT1 protein (p.Arg538His). The arginine residue is highly conserved and there is a small physicochemical difference between arginine and histidine.

Literature cited by the submitters: PubMed 34114611 (cited by Ambry Genetics).

NM_020822.3(KCNT1):c.1613G>A (p.Arg538His)

Gene: KCNT1 (potassium sodium-activated channel subfamily T member 1; plus strand). Cytogenetic location: 9q34.3.
Variant type: single nucleotide variant.
Coding change: c.1613G>A on transcript NM_020822.3 (MANE Select); coding-DNA position 1613, G replaced by A.
Protein change: p.Arg538His; replaces arginine 538 with histidine.
Molecular consequence: missense variant.
Genome position (GRCh38, 1-based): chr9:135,770,049, G>A. VCF-style: chr9-135770049-G-A. GRCh37 (hg19) VCF-style: chr9-138661895-G-A.
Other names: c.1478G>A, p.Arg493His (NM_001272003.2); c.1613G>A (NM_020822.2); short protein forms R493H, R538H.
Identifiers: ClinVar variation 1371075 (VCV001371075.9), dbSNP rs748178951, ClinGen allele CA5326972.